The following is an entry in ClinVar:

ClinVar aggregate classification (germline): Likely benign (1 of 4 stars; one submission).

Allele frequency attached by ClinVar (database versions not stated): ESP Exome Variant Server 0.00008.
gnomAD v4.1: 42 of 1,609,934 alleles (0.0026%); highest among the groups gnomAD compares: Middle Eastern, 0.016%; no homozygotes.

Submission:

CeGaT Center for Human Genetics Tuebingen
Classification: Likely benign. Last evaluated: 2022-11-01. Review status: criteria provided, single submitter. Criteria: CeGaT Center For Human Genetics Tuebingen Variant Classification Criteria Version 2. Collection method: clinical testing. Allele origin: germline. Affected: yes. Observed: 1 variant allele.
Comment: CUX1: PP2, BP4, BS1

NM_001913.5(CUX1):c.1471G>A (p.Gly491Ser)

Gene: CUX1 (cut like homeobox 1; plus strand). Cytogenetic location: 7q22.1.
Variant type: single nucleotide variant.
Coding change: c.1471G>A on transcript NM_001913.5 (MANE Plus Clinical); coding-DNA position 1471, G replaced by A.
Protein change: p.Gly491Ser; replaces glycine 491 with serine.
Molecular consequence: missense variant.
Genome position (GRCh38, 1-based): chr7:102,275,267, G>A. VCF-style: chr7-102275267-G-A. GRCh37 (hg19) VCF-style: chr7-101918538-G-A.
Other names: c.1423G>A, p.Gly475Ser (NM_001202544.3); c.1333G>A, p.Gly445Ser (NM_001202545.3); c.1354G>A, p.Gly452Ser (NM_001202546.3); c.1465G>A, p.Gly489Ser (NM_181500.4); short protein forms G445S, G452S, G475S, G489S, G491S.
Identifiers: ClinVar variation 2657882 (VCV002657882.22), dbSNP rs150976222, ClinGen allele CA4411677.